The following is an entry in ClinVar:

NM_015122.3(FCHO1):c.946A>C (p.Thr316Pro)

Gene: FCHO1 (FCH and mu domain containing endocytic adaptor 1; plus strand). Cytogenetic location: 19p13.11.
Variant type: single nucleotide variant.
Coding change: c.946A>C on transcript NM_015122.3 (MANE Select); coding-DNA position 946, A replaced by C.
Protein change: p.Thr316Pro; replaces threonine 316 with proline.
Molecular consequence: missense variant. On other transcripts: non-coding transcript variant (36).
Genome position (GRCh38, 1-based): chr19:17,775,456, A>C. VCF-style: chr19-17775456-A-C. GRCh37 (hg19) VCF-style: chr19-17886265-A-C.
Other names: c.946A>C, p.Thr316Pro (NM_001161357.2, NM_001161358.2, NM_001384370.1 and 25 more transcripts); c.796A>C, p.Thr266Pro (NM_001161359.2, NM_001384384.1, NM_001384385.1 and 3 more transcripts); c.907A>C, p.Thr303Pro (NM_001384388.1, NM_001384389.1, NM_001384405.1); c.871A>C, p.Thr291Pro (NM_001384390.1); c.901A>C, p.Thr301Pro (NM_001384403.1); short protein forms T316P, T266P, T291P, T303P, T301P.
Identifiers: ClinVar variation 1398743 (VCV001398743.8), dbSNP rs779140105, ClinGen allele CA9300332.

ClinVar aggregate classification (germline): Uncertain significance (1 of 4 stars; one submission).

Allele frequency attached by ClinVar (database versions not stated): TOPMed below 0.00001; gnomAD exomes 0.00003; ExAC 0.00005.
gnomAD v4.1: 8 of 1,613,850 alleles (0.0005%); highest among the groups gnomAD compares: East Asian, 0.016%; no homozygotes.

Submission:

Labcorp Genetics (formerly Invitae), Labcorp
Classification: Uncertain significance. Last evaluated: 2024-12-02. Review status: criteria provided, single submitter. Criteria: Invitae Variant Classification Sherloc (09022015). Collection method: clinical testing. Allele origin: germline.
Comment: This sequence change replaces threonine, which is neutral and polar, with proline, which is neutral and non-polar, at codon 316 of the FCHO1 protein (p.Thr316Pro). This variant is present in population databases (rs779140105, gnomAD 0.03%). This variant has not been reported in the literature in individuals affected with FCHO1-related conditions. ClinVar contains an entry for this variant (Variation ID: 1398743). An algorithm developed to predict the effect of missense changes on protein structure and function (PolyPhen-2) suggests that this variant is likely to be tolerated. In summary, the available evidence is currently insufficient to determine the role of this variant in disease. Therefore, it has been classified as a Variant of Uncertain Significance.